The following is an entry in ClinVar:

NM_003906.5(MCM3AP):c.2924C>T (p.Pro975Leu)

Gene: MCM3AP (minichromosome maintenance complex component 3 associated protein; minus strand). Cytogenetic location: 21q22.3.
Variant type: single nucleotide variant.
Coding change: c.2924C>T on transcript NM_003906.5 (MANE Select); coding-DNA position 2924, C replaced by T.
Protein change: p.Pro975Leu; replaces proline 975 with leucine.
Molecular consequence: missense variant.
Genome position (GRCh38, 1-based): chr21:46,266,032, G>A on the plus strand (C>T on the coding strand, the complement: MCM3AP is on the minus strand). VCF-style: chr21-46266032-G-A. GRCh37 (hg19) VCF-style: chr21-47685946-G-A.
Other names: short protein forms P975L.
Identifiers: ClinVar variation 1963202 (VCV001963202.2), dbSNP rs2517390358, ClinGen allele CA410561573.

ClinVar aggregate classification (germline): Uncertain significance (1 of 4 stars; one submission).

Allele frequency attached by ClinVar (database versions not stated): gnomAD exomes below 0.00001.
gnomAD v4.1: 1 of 1,612,138 alleles (0.000062%); highest among the groups gnomAD compares: East Asian, 0.0022%; no homozygotes.

Submission:

Labcorp Genetics (formerly Invitae), Labcorp
Classification: Uncertain significance. Last evaluated: 2022-05-19. Review status: criteria provided, single submitter. Criteria: Invitae Variant Classification Sherloc (09022015). Collection method: clinical testing. Allele origin: germline.
Comment: This sequence change replaces proline, which is neutral and non-polar, with leucine, which is neutral and non-polar, at codon 975 of the MCM3AP protein (p.Pro975Leu). This variant is not present in population databases (gnomAD no frequency). This variant has not been reported in the literature in individuals affected with MCM3AP-related conditions. Algorithms developed to predict the effect of missense changes on protein structure and function are either unavailable or do not agree on the potential impact of this missense change (SIFT: "Deleterious"; PolyPhen-2: "Benign"; Align-GVGD: "Class C15"). In summary, the available evidence is currently insufficient to determine the role of this variant in disease. Therefore, it has been classified as a Variant of Uncertain Significance.